The following is an entry in ClinVar:

ClinVar aggregate classification (germline): Uncertain significance (1 of 4 stars; one submission).

gnomAD v4.1: 1 of 1,614,108 alleles (0.000062%); highest among the groups gnomAD compares: Non-Finnish European, 0.000085%; no homozygotes.

Submission:

Ambry Genetics
Classification: Uncertain significance. Last evaluated: 2025-07-28. Review status: criteria provided, single submitter. Criteria: Ambry Variant Classification Scheme 2023. Collection method: clinical testing. Allele origin: germline.
Comment: The p.L1255P variant (also known as c.3764T>C), located in coding exon 7 of the MLH3 gene, results from a T to C substitution at nucleotide position 3764. The leucine at codon 1255 is replaced by proline, an amino acid with similar properties. This amino acid position is conserved. In addition, this alteration is predicted to be deleterious by in silico analysis. Based on the available evidence, the clinical significance of this variant remains unclear.

NM_001040108.2(MLH3):c.3764T>C (p.Leu1255Pro)

Gene: MLH3 (mutL homolog 3; minus strand). Cytogenetic location: 14q24.3.
Variant type: single nucleotide variant.
Coding change: c.3764T>C on transcript NM_001040108.2 (MANE Select); coding-DNA position 3764, T replaced by C.
Protein change: p.Leu1255Pro; replaces leucine 1255 with proline.
Molecular consequence: missense variant.
Genome position (GRCh38, 1-based): chr14:75,032,131, A>G on the plus strand (T>C on the coding strand, the complement: MLH3 is on the minus strand). VCF-style: chr14-75032131-A-G. GRCh37 (hg19) VCF-style: chr14-75498834-A-G.
Other names: c.3692T>C, p.Leu1231Pro (NM_014381.3); short protein forms L1231P, L1255P.
Identifiers: ClinVar variation 4108597 (VCV004108597.1).
Genomic context (GRCh38, chr14:75,032,131, plus strand): 5'-AAGAGTCTCCTTTGTTCCTCTGTCACTGTTATCTCTAGCGGAGGAATTAGAGTAGAAGAC[A>G]GTAATTTTTTCCGACCAGAGCCTTGTGCCTGTTGCTTCTCGTAGGAATCTATTGGCAGAA-3'
Protein context (NP_001035197.1, residues 1245-1265): QAQGSGRKKL[Leu1255Pro]SSTLIPPLEI